The following is an entry in ClinVar:

ClinVar aggregate classification (germline): Uncertain significance. Review status: criteria provided, multiple submitters, no conflicts (2 of 4 stars). 2 submissions from 2 submitters: Uncertain significance (2). Last evaluated 2026-01-03.

Allele frequency attached by ClinVar (database versions not stated): gnomAD exomes 0.00001; TOPMed 0.00001.
gnomAD v4.1: 11 of 1,486,824 alleles (0.00074%); highest among the groups gnomAD compares: Admixed American, 0.025%; no homozygotes.

Submissions (2):

Labcorp Genetics (formerly Invitae), Labcorp
Classification: Uncertain significance. Last evaluated: 2026-01-03. Review status: criteria provided, single submitter. Criteria: Invitae Variant Classification Sherloc (09022015). Collection method: clinical testing. Allele origin: germline.
Comment: This sequence change replaces arginine, which is basic and polar, with glycine, which is neutral and non-polar, at codon 41 of the FGF20 protein (p.Arg41Gly). This variant is present in population databases (no rsID available, gnomAD 0.08%), and has an allele count higher than expected for a pathogenic variant. This variant has not been reported in the literature in individuals affected with FGF20-related conditions. ClinVar contains an entry for this variant (Variation ID: 2084376). An algorithm developed to predict the effect of missense changes on protein structure and function (PolyPhen-2) suggests that this variant is likely to be tolerated. In summary, the available evidence is currently insufficient to determine the role of this variant in disease. Therefore, it has been classified as a Variant of Uncertain Significance.

Ambry Genetics
Classification: Uncertain significance. Last evaluated: 2025-06-25. Review status: criteria provided, single submitter. Criteria: Ambry Variant Classification Scheme 2023. Collection method: clinical testing. Allele origin: germline.

NM_019851.3(FGF20):c.121A>G (p.Arg41Gly)

Genes: FGF20 (fibroblast growth factor 20; minus strand), LOC129999926 (ATAC-STARR-seq lymphoblastoid silent region 18958; plus strand). Cytogenetic location: 8p22.
Variant type: single nucleotide variant.
Coding change: c.121A>G on transcript NM_019851.3 (MANE Select); coding-DNA position 121, A replaced by G.
Protein change: p.Arg41Gly; replaces arginine 41 with glycine.
Molecular consequence: missense variant.
Genome position (GRCh38, 1-based): chr8:17,001,912, T>C on the plus strand (A>G on the coding strand, the complement: FGF20 is on the minus strand). VCF-style: chr8-17001912-T-C. GRCh37 (hg19) VCF-style: chr8-16859421-T-C.
Other names: c.121A>G (NM_019851.2); short protein forms R41G.
Identifiers: ClinVar variation 2084376 (VCV002084376.5), dbSNP rs892902237, ClinGen allele CA172915122.